The following is an entry in ClinVar:

NM_024577.4(SH3TC2):c.3610A>G (p.Lys1204Glu)

Gene: SH3TC2 (SH3 domain and tetratricopeptide repeats 2; minus strand). Cytogenetic location: 5q32.
Variant type: single nucleotide variant.
Coding change: c.3610A>G on transcript NM_024577.4 (MANE Select); coding-DNA position 3610, A replaced by G.
Protein change: p.Lys1204Glu; replaces lysine 1204 with glutamic acid.
Molecular consequence: missense variant.
Genome position (GRCh38, 1-based): chr5:149,006,946, T>C on the plus strand (A>G on the coding strand, the complement: SH3TC2 is on the minus strand). VCF-style: chr5-149006946-T-C. GRCh37 (hg19) VCF-style: chr5-148386509-T-C.
Other names: short protein forms K1204E.
Identifiers: ClinVar variation 543400 (VCV000543400.11), dbSNP rs571409696, ClinGen allele CA3498673.
Genomic context (GRCh38, chr5:149,006,946, plus strand): 5'-GCTGGCAGAAGGTGAGTCTGCCCAGGCGATAATACACCTTGGCATAGTACAGGGCCTCCT[T>C]GGGACTCTGCAGCCATGGTGGACAGAGGGACAGGGTCTTCAGGTAGCAGTCCTCAGCCAT-3'
Protein context (NP_078853.2, residues 1194-1214): SLCPPWLQSP[Lys1204Glu]EALYYAKVYY

ClinVar aggregate classification (germline): Uncertain significance. Review status: criteria provided, multiple submitters, no conflicts (2 of 4 stars). 2 submissions from 2 submitters: Uncertain significance (2). Last evaluated 2025-10-15.

Conditions:
Inborn genetic diseases. Identifiers: MedGen C0950123, MeSH D030342.
Charcot-Marie-Tooth disease type 4. Also called: Charcot-Marie-Tooth disease, type IV; Charcot-Marie-Tooth, Type 4. Identifiers: Orphanet 64749, MedGen C4082197, MONDO:0018995.

Allele frequency attached by ClinVar (database versions not stated): ExAC 0.00002; gnomAD exomes 0.00002 and 0.00004; TOPMed 0.00002; gnomAD 0.00004.
gnomAD v4.1: 38 of 1,613,958 alleles (0.0024%); highest among the groups gnomAD compares: Non-Finnish European, 0.0031%; no homozygotes.

Submissions (2):

Ambry Genetics
Classification: Uncertain significance for Inborn genetic diseases. Last evaluated: 2025-10-15. Review status: criteria provided, single submitter. Criteria: Ambry Variant Classification Scheme 2023. Collection method: clinical testing. Allele origin: germline.

Labcorp Genetics (formerly Invitae), Labcorp
Classification: Uncertain significance for Charcot-Marie-Tooth disease type 4. Last evaluated: 2019-09-12. Review status: criteria provided, single submitter. Criteria: Invitae Variant Classification Sherloc (09022015). Collection method: clinical testing. Allele origin: germline.
Comment: Algorithms developed to predict the effect of missense changes on protein structure and function (SIFT, PolyPhen-2, Align-GVGD) all suggest that this variant is likely to be tolerated, but these predictions have not been confirmed by published functional studies and their clinical significance is uncertain. This sequence change replaces lysine with glutamic acid at codon 1204 of the SH3TC2 protein (p.Lys1204Glu). The lysine residue is highly conserved and there is a small physicochemical difference between lysine and glutamic acid. This variant is present in population databases (rs571409696, ExAC 0.004%). This variant has not been reported in the literature in individuals with SH3TC2-related disease. In summary, the available evidence is currently insufficient to determine the role of this variant in disease. Therefore, it has been classified as a Variant of Uncertain Significance.